The following is an entry in ClinVar:

NM_005732.4(RAD50):c.1151A>C (p.Glu384Ala)

Gene: RAD50 (RAD50 double strand break repair protein; plus strand). Cytogenetic location: 5q31.1.
Variant type: single nucleotide variant.
Coding change: c.1151A>C on transcript NM_005732.4 (MANE Select); coding-DNA position 1151, A replaced by C.
Protein change: p.Glu384Ala; replaces glutamic acid 384 with alanine.
Molecular consequence: missense variant.
Genome position (GRCh38, 1-based): chr5:132,588,786, A>C. VCF-style: chr5-132588786-A-C. GRCh37 (hg19) VCF-style: chr5-131924478-A-C.
Other names: short protein forms E384A.
Identifiers: ClinVar variation 941937 (VCV000941937.9), dbSNP rs1205690032, ClinGen allele CA360942692.

ClinVar aggregate classification (germline): Uncertain significance. Review status: criteria provided, multiple submitters, no conflicts (2 of 4 stars). 2 submissions from 2 submitters: Uncertain significance (2). Last evaluated 2023-08-04.

Conditions:
Hereditary cancer-predisposing syndrome. Also called: Hereditary neoplastic syndrome; Neoplastic Syndromes, Hereditary; Tumor predisposition; Hereditary Cancer Syndrome. Identifiers: Orphanet 140162, MedGen C0027672, MeSH D009386, MONDO:0015356.

Allele frequency attached by ClinVar (database versions not stated): gnomAD exomes below 0.00001 and 0.00001.
gnomAD v4.1: 3 of 1,614,004 alleles (0.00019%); highest among the groups gnomAD compares: Admixed American, 0.0033%; no homozygotes.

Submissions (2):

Labcorp Genetics (formerly Invitae), Labcorp
Classification: Uncertain significance for Hereditary cancer-predisposing syndrome. Last evaluated: 2023-08-04. Review status: criteria provided, single submitter. Criteria: Invitae Variant Classification Sherloc (09022015). Collection method: clinical testing. Allele origin: germline.
Comment: Advanced modeling of protein sequence and biophysical properties (such as structural, functional, and spatial information, amino acid conservation, physicochemical variation, residue mobility, and thermodynamic stability) performed at Invitae indicates that this missense variant is not expected to disrupt RAD50 protein function. In summary, the available evidence is currently insufficient to determine the role of this variant in disease. Therefore, it has been classified as a Variant of Uncertain Significance. ClinVar contains an entry for this variant (Variation ID: 941937). This variant has not been reported in the literature in individuals affected with RAD50-related conditions. This variant is present in population databases (no rsID available, gnomAD 0.006%). This sequence change replaces glutamic acid, which is acidic and polar, with alanine, which is neutral and non-polar, at codon 384 of the RAD50 protein (p.Glu384Ala).

Ambry Genetics
Classification: Uncertain significance for Hereditary cancer-predisposing syndrome. Last evaluated: 2023-03-09. Review status: criteria provided, single submitter. Criteria: Ambry Variant Classification Scheme 2023. Collection method: clinical testing. Allele origin: germline.
Comment: The p.E384A variant (also known as c.1151A>C), located in coding exon 8 of the RAD50 gene, results from an A to C substitution at nucleotide position 1151. The glutamic acid at codon 384 is replaced by alanine, an amino acid with dissimilar properties. This amino acid position is conserved. In addition, this alteration is predicted to be tolerated by in silico analysis. Since supporting evidence is limited at this time, the clinical significance of this alteration remains unclear.